The following is an entry in ClinVar:

NM_002838.5(PTPRC):c.2007A>G (p.Ile669Met)

Gene: PTPRC (protein tyrosine phosphatase receptor type C; plus strand). Cytogenetic location: 1q32.1.
Variant type: single nucleotide variant.
Coding change: c.2007A>G on transcript NM_002838.5 (MANE Select); coding-DNA position 2007, A replaced by G.
Protein change: p.Ile669Met; replaces isoleucine 669 with methionine.
Molecular consequence: missense variant.
Genome position (GRCh38, 1-based): chr1:198,732,332, A>G. VCF-style: chr1-198732332-A-G. GRCh37 (hg19) VCF-style: chr1-198701461-A-G.
Other names: c.1524A>G, p.Ile508Met (NM_080921.4); short protein forms I508M, I669M.
Identifiers: ClinVar variation 658272 (VCV000658272.11), dbSNP rs1571878480, ClinGen allele CA344045209.
Genomic context (GRCh38, chr1:198,732,332, plus strand): 5'-TGATCCAAGAAATCGTTGTTTCTTTCAGAGCATCCCGCGGGTGTTCAGCAAGTTTCCTAT[A>G]AAGGAAGCTCGAAAGCCCTTTAACCAGAATAAAAACCGTTATGTTGACATTCTTCCTTGT-3'
Protein context (NP_002829.3, residues 659-679): SIPRVFSKFP[Ile669Met]KEARKPFNQN

ClinVar aggregate classification (germline): Uncertain significance (1 of 4 stars; one submission).

Conditions:
Immunodeficiency 104. Also called: Severe combined immunodeficiency, autosomal recessive, T cell-negative, B cell-positive, NK cell-positive; IMMUNODEFICIENCY 104, SEVERE COMBINED; SCID, AUTOSOMAL RECESSIVE, T CELL-NEGATIVE, B CELL-POSITIVE, NK CELL-POSITIVE; Severe Combined Immune Deficiency, Autosomal Recessive, TCell -Negative, B Cell-Positive, NK Cell-Positive, IL7R-Related. Identifiers: MedGen C5676890, MONDO:0012163, OMIM 608971.

Submission:

Labcorp Genetics (formerly Invitae), Labcorp
Classification: Uncertain significance for Immunodeficiency 104. Last evaluated: 2019-07-15. Review status: criteria provided, single submitter. Criteria: Invitae Variant Classification Sherloc (09022015). Collection method: clinical testing. Allele origin: germline.
Comment: Algorithms developed to predict the effect of missense changes on protein structure and function are either unavailable or do not agree on the potential impact of this missense change (SIFT: "Deleterious"; PolyPhen-2: "Possibly Damaging"; Align-GVGD: "Class C0"). This sequence change replaces isoleucine with methionine at codon 669 of the PTPRC protein (p.Ile669Met). The isoleucine residue is highly conserved and there is a small physicochemical difference between isoleucine and methionine. This variant is not present in population databases (ExAC no frequency). This variant has not been reported in the literature in individuals with PTPRC-related disease. In summary, the available evidence is currently insufficient to determine the role of this variant in disease. Therefore, it has been classified as a Variant of Uncertain Significance.